The following is an entry in ClinVar:

NM_144997.7(FLCN):c.237G>T (p.Ser79=)

Gene: FLCN (folliculin; minus strand). Cytogenetic location: 17p11.2.
Variant type: single nucleotide variant.
Coding change: c.237G>T on transcript NM_144997.7 (MANE Select); coding-DNA position 237, G replaced by T.
Protein change: p.Ser79=; no amino-acid change (serine 79 retained).
Molecular consequence: synonymous variant.
Genome position (GRCh38, 1-based): chr17:17,227,901, C>A on the plus strand (G>T on the coding strand, the complement: FLCN is on the minus strand). VCF-style: chr17-17227901-C-A. GRCh37 (hg19) VCF-style: chr17-17131215-C-A.
Other names: c.237G>T, p.Ser79= (NM_001353229.2, NM_001353230.2, NM_001353231.2 and 1 more transcripts).
Identifiers: ClinVar variation 759537 (VCV000759537.13), dbSNP rs771650940, ClinGen allele CA498421492.

ClinVar aggregate classification (germline): Benign/Likely benign. Review status: criteria provided, multiple submitters, no conflicts (2 of 4 stars). 3 submissions from 3 submitters: Benign (1); Likely benign (2). Last evaluated 2025-09-10.

Conditions:
Hereditary cancer-predisposing syndrome. Also called: Tumor predisposition; Hereditary Cancer Syndrome; Neoplastic Syndromes, Hereditary; Hereditary neoplastic syndrome. Identifiers: Orphanet 140162, MedGen C0027672, MeSH D009386, MONDO:0015356.
Birt-Hogg-Dube syndrome. Also called: Birt Hogg Dubé syndrome. Identifiers: Orphanet 122, MedGen C0346010, MONDO:0800444.
Birt-Hogg-Dube syndrome 1 (BHD1). Also called: FIBROFOLLICULOMAS WITH TRICHODISCOMAS AND ACROCHORDONS. Identifiers: Orphanet 122, MedGen CN375946, MONDO:0800445, OMIM 135150.

Allele frequency attached by ClinVar (database versions not stated): gnomAD 0.00001; TOPMed 0.00001.

Submissions (3):

Labcorp Genetics (formerly Invitae), Labcorp
Classification: Likely benign for Birt-Hogg-Dube syndrome. Last evaluated: 2025-09-10. Review status: criteria provided, single submitter. Criteria: Invitae Variant Classification Sherloc (09022015). Collection method: clinical testing. Allele origin: germline.

Myriad Genetics, Inc.
Classification: Benign for Birt-Hogg-Dube syndrome 1. Last evaluated: 2024-10-22. Review status: criteria provided, single submitter. Criteria: Myriad Autosomal Dominant, Autosomal Recessive and X-Linked Classification Criteria (2023). Collection method: clinical testing. Allele origin: unknown.
Comment: This variant is considered benign. This variant is a silent/synonymous amino acid change and it is not expected to impact splicing.

Ambry Genetics
Classification: Likely benign for Hereditary cancer-predisposing syndrome. Last evaluated: 2022-04-27. Review status: criteria provided, single submitter. Criteria: Ambry Variant Classification Scheme 2023. Collection method: clinical testing. Allele origin: germline.